The following is an entry in ClinVar:

ClinVar aggregate classification (germline): Likely pathogenic. Review status: reviewed by expert panel (3 of 4 stars). 2 submissions from 2 submitters: Likely pathogenic (1). 1 of the submissions does not count toward it. Last evaluated 2024-05-09.

Conditions:
Hereditary factor IX deficiency disease (HEMB). Also called: Christmas Disease; F9 DEFICIENCY; FACTOR IX DEFICIENCY; PLASMA THROMBOPLASTIN COMPONENT DEFICIENCY; Hemophilia B. Identifiers: Orphanet 98879, MedGen C0008533, MeSH D002836, MONDO:0010604, OMIM 306900.

Submissions (2):

ClinGen Coagulation Factor Deficiency Variant Curation Expert Panel, Clingen
Classification: Likely pathogenic for Hereditary factor IX deficiency disease. Last evaluated: 2024-05-09. Review status: reviewed by expert panel. Criteria: ClinGen CoagFactor ACMG Specifications F9 V1.0.0. Collection method: curation. Allele origin: germline. Inheritance: X-linked inheritance.
Comment: The c.1325G>A (NM_000133.4) variant in F9 is a missense variant predicted to cause substitution of Glycine by Glutamate at amino acid 442 (p.Gly442Glu). This variant has been reported in at least 2 probands meeting the hemophilia B phenotype criteria specified by the Coagulation Factor Deficiency VCEP (PS4_Moderate; PMID: 12604421, 18624698). This variant is absent from gnomAD v2.1.1 and v3.1.1 (PM2_Supporting). The computational predictor REVEL gives a score of 0.908, which is above the threshold of 0.6, evidence that correlates with impact to F9 function (PP3). Another missense variant c.1234G>A, p.Gly442Arg in the same codon has been classified as pathogenic for hemophilia B by the ClinGen Coagulation Factor Deficiency VCEP (PM5). In summary, this variant meets the criteria to be classified as Likely Pathogenic for X-linked recessive hemophilia B based on the ACMG/AMP criteria applied, as specified by the ClinGen Coagulation Factor Deficiency VCEP: PM5, PS4_Moderate, PP3, PM2_Supporting. (ClinGen Coagulation Factor Deficiency Expert Panel Specifications to the ACMG/AMP Variant Interpretation Guidelines for F9 Version 1.0.0., Released 10/5/2023)

ARUP Laboratories, Molecular Genetics and Genomics, ARUP Laboratories
Classification: Pathogenic. Last evaluated: 2019-06-14. Review status: criteria provided, single submitter. Criteria: ARUP Molecular Germline Variant Investigation Process. Collection method: clinical testing. Allele origin: germline. Not counted in ClinVar's aggregate classification.
Comment: The F9 c.1325G>A; p.Gly442Glu, also known as p.Gly396Glu variant in alternative nomenclature, is reported in the literature in multiple individuals affected with severe hemophilia B (Espinos 2003, Hamasaki-Katagiri 2012, Kwon 2008). The p.Gly442Glu variant is absent from general population databases (Exome Variant Server, Genome Aggregation Database), indicating it is not a common polymorphism. The glycine at codon 442 is highly conserved, and computational analyses (SIFT, PolyPhen-2) predict that this variant is deleterious, consistent with assays indicating less than 1% of normal F9 activity in samples containing this variant (Kwon 2008). Additionally, other amino acid substitutions at this codon (Ala, Arg, and Val) have been reported in individuals with hemophilia B and are considered disease-causing (Hamasaki-Katagiri 2012, Factor IX database and references therein). Based on available information, the p.Gly442Glu variant is considered to be pathogenic. References: Factor IX database: Espinos C et al. Molecular analyses in hemophilia B families: identification of six new mutations in the factor IX gene. Haematologica. 2003 Feb;88(2):235-6 Hamasaki-Katagiri N et al. Analysis of F9 point mutations and their correlation to severity of haemophilia B disease. Haemophilia. 2012 Nov;18(6):933-40. Kwon MJ et al. Identification of mutations in the F9 gene including exon deletion by multiplex ligation-dependent probe amplification in 33 unrelated Korean patients with haemophilia B. Haemophilia. 2008 Sep;14(5):1069-75.

NM_000133.4(F9):c.1325G>A (p.Gly442Glu)

Gene: F9 (coagulation factor IX; plus strand). Cytogenetic location: Xq27.1.
Variant type: single nucleotide variant.
Coding change: c.1325G>A on transcript NM_000133.4 (MANE Select); coding-DNA position 1325, G replaced by A.
Protein change: p.Gly442Glu; replaces glycine 442 with glutamic acid.
Molecular consequence: missense variant.
Genome position (GRCh38, 1-based): chrX:139,562,010, G>A. VCF-style: chrX-139562010-G-A. GRCh37 (hg19) VCF-style: chrX-138644169-G-A.
Other names: NM_000133.4(F9):c.1325G>A; p.Gly442Glu; c.1211G>A, p.Gly404Glu (NM_001313913.2); short protein forms G404E, G442E.
Identifiers: ClinVar variation 811513 (VCV000811513.9), dbSNP rs1603267474, ClinGen allele CA414447349.